The following is an entry in ClinVar:

NM_001768.7(CD8A):c.478C>A (p.Arg160Ser)

Gene: CD8A (CD8 subunit alpha; minus strand). Cytogenetic location: 2p11.2.
Variant type: single nucleotide variant.
Coding change: c.478C>A on transcript NM_001768.7 (MANE Select); coding-DNA position 478, C replaced by A.
Protein change: p.Arg160Ser; replaces arginine 160 with serine.
Molecular consequence: missense variant. On other transcripts: non-coding transcript variant (3).
Genome position (GRCh38, 1-based): chr2:86,789,676, G>T on the plus strand (C>A on the coding strand, the complement: CD8A is on the minus strand). VCF-style: chr2-86789676-G-T. GRCh37 (hg19) VCF-style: chr2-87016799-G-T.
Other names: c.478C>A, p.Arg160Ser (NM_001145873.1, NM_001382698.1, NM_171827.4); short protein forms R160S.
Identifiers: ClinVar variation 1505106 (VCV001505106.8), dbSNP rs756417756, ClinGen allele CA1751179.

ClinVar aggregate classification (germline): Uncertain significance (1 of 4 stars; one submission).

Conditions:
Susceptibility to respiratory infections associated with CD8alpha chain mutation (IMD116). Also called: IMMUNODEFICIENCY 116; Cd8 deficiency, familial. Identifiers: Orphanet 169085, MedGen C1837065, MONDO:0012161, OMIM 608957.

Allele frequency attached by ClinVar (database versions not stated): TOPMed below 0.00001; gnomAD 0.00001; gnomAD exomes 0.00001; ExAC 0.00021.
gnomAD v4.1: 8 of 1,463,260 alleles (0.00055%); highest among the groups gnomAD compares: South Asian, 0.0041%; no homozygotes.

Submission:

Labcorp Genetics (formerly Invitae), Labcorp
Classification: Uncertain significance for Susceptibility to respiratory infections associated with CD8alpha chain mutation. Last evaluated: 2021-02-28. Review status: criteria provided, single submitter. Criteria: Invitae Variant Classification Sherloc (09022015). Collection method: clinical testing. Allele origin: germline.
Comment: In summary, the available evidence is currently insufficient to determine the role of this variant in disease. Therefore, it has been classified as a Variant of Uncertain Significance. Algorithms developed to predict the effect of missense changes on protein structure and function output the following: SIFT: "Deleterious"; PolyPhen-2: "Benign"; Align-GVGD: "Class C0". The serine amino acid residue is found in multiple mammalian species, suggesting that this missense change does not adversely affect protein function. These predictions have not been confirmed by published functional studies and their clinical significance is uncertain. This variant has not been reported in the literature in individuals with CD8A-related conditions. While this variant is present in population databases (rs756417756), the frequency information is unreliable, as metrics indicate poor data quality at this position in the ExAC database. This sequence change replaces arginine with serine at codon 160 of the CD8A protein (p.Arg160Ser). The arginine residue is highly conserved and there is a moderate physicochemical difference between arginine and serine.